The following is an entry in ClinVar:

ClinVar aggregate classification (germline): Uncertain significance (1 of 4 stars; one submission).

Conditions:
Hereditary cancer-predisposing syndrome. Also called: Neoplastic Syndromes, Hereditary; Tumor predisposition; Hereditary Cancer Syndrome; Hereditary neoplastic syndrome. Identifiers: Orphanet 140162, MedGen C0027672, MeSH D009386, MONDO:0015356.

Submission:

Ambry Genetics
Classification: Uncertain significance for Hereditary cancer-predisposing syndrome. Last evaluated: 2025-12-18. Review status: criteria provided, single submitter. Criteria: Ambry Variant Classification Scheme 2023. Collection method: clinical testing. Allele origin: germline.
Comment: The p.R906G variant (also known as c.2716A>G), located in coding exon 20 of the POLD1 gene, results from an A to G substitution at nucleotide position 2716. The arginine at codon 906 is replaced by glycine, an amino acid with dissimilar properties. This amino acid position is well conserved in available vertebrate species. In addition, the in silico prediction for this alteration is inconclusive. Based on the available evidence, the clinical significance of this variant remains unclear.

NM_002691.4(POLD1):c.2716A>G (p.Arg906Gly)

Gene: POLD1 (DNA polymerase delta 1, catalytic subunit; plus strand). Cytogenetic location: 19q13.33.
Variant type: single nucleotide variant.
Coding change: c.2716A>G on transcript NM_002691.4 (MANE Select); coding-DNA position 2716, A replaced by G.
Protein change: p.Arg906Gly; replaces arginine 906 with glycine.
Molecular consequence: missense variant. On other transcripts: non-coding transcript variant (1).
Genome position (GRCh38, 1-based): chr19:50,415,589, A>G. VCF-style: chr19-50415589-A-G. GRCh37 (hg19) VCF-style: chr19-50918846-A-G.
Other names: c.2716A>G, p.Arg906Gly (NM_001256849.1, NM_001438212.1, NM_001438213.1); c.2794A>G, p.Arg932Gly (NM_001308632.1); c.2644A>G, p.Arg882Gly (NM_001438210.1, NM_001438211.1); short protein forms R906G, R882G, R932G.
Identifiers: ClinVar variation 4841591 (VCV004841591.1).
Genomic context (GRCh38, chr19:50,415,589, plus strand): 5'-GAGCTGACCCGCGCGGCCTCCGACTATGCCGGCAAGCAGGCCCACGTGGAGCTGGCCGAG[A>G]GGTCCTGCGCGGGGCGGGTGGCCTGGCCAGAAATAACCCCCTCCTTCCTGCCAGCTGGGC-3'
Protein context (NP_002682.2, residues 896-916): GKQAHVELAE[Arg906Gly]MRKRDPGSAP